The following is an entry in ClinVar:

NM_000540.3(RYR1):c.7561G>A (p.Val2521Met)

Gene: RYR1 (ryanodine receptor 1; plus strand). Cytogenetic location: 19q13.2.
Variant type: single nucleotide variant.
Coding change: c.7561G>A on transcript NM_000540.3 (MANE Select); coding-DNA position 7561, G replaced by A.
Protein change: p.Val2521Met; replaces valine 2521 with methionine.
Molecular consequence: missense variant.
Genome position (GRCh38, 1-based): chr19:38,500,937, G>A. VCF-style: chr19-38500937-G-A. GRCh37 (hg19) VCF-style: chr19-38991577-G-A.
Other names: c.7561G>A, p.Val2521Met (NM_001042723.2); short protein forms V2521M.
Identifiers: ClinVar variation 4697003 (VCV004697003.1).

ClinVar aggregate classification (germline): Uncertain significance. Review status: criteria provided, multiple submitters, no conflicts (2 of 4 stars). 2 submissions from 2 submitters: Uncertain significance (2). Last evaluated 2025-05-29.

Conditions:
Malignant hyperthermia, susceptibility to, 1 (MHS1). Also called: Malignant hyperthermia suceptibility 1; Anesthesia related hyperthermia; Malignant hyperpyrexia; Fulminating hyperpyrexia; Pharmacogenic myopathy; RYR1-Related Malignant Hyperthermia Susceptibility. Identifiers: Orphanet 423, MedGen C2930980, MONDO:0007783, OMIM 145600.
RYR1-related disorder. Also called: RYR1-related disorders; RYR1-related condition. Identifiers: MedGen CN239331.

gnomAD v4.1: 27 of 1,613,920 alleles (0.0017%); highest among the groups gnomAD compares: East Asian, 0.013%; no homozygotes.

Submissions (2):

Labcorp Genetics (formerly Invitae), Labcorp
Classification: Uncertain significance for RYR1-related disorder. Last evaluated: 2025-05-29. Review status: criteria provided, single submitter. Criteria: Invitae Variant Classification Sherloc (09022015). Collection method: clinical testing. Allele origin: germline.
Comment: This sequence change replaces valine, which is neutral and non-polar, with methionine, which is neutral and non-polar, at codon 2521 of the RYR1 protein (p.Val2521Met). This variant is present in population databases (rs755128630, gnomAD 0.03%). This variant has not been reported in the literature in individuals affected with RYR1-related conditions. Invitae Evidence Modeling of protein sequence and biophysical properties (such as structural, functional, and spatial information, amino acid conservation, physicochemical variation, residue mobility, and thermodynamic stability) indicates that this missense variant is not expected to disrupt RYR1 protein function with a negative predictive value of 80%. In summary, the available evidence is currently insufficient to determine the role of this variant in disease. Therefore, it has been classified as a Variant of Uncertain Significance.

Color Diagnostics, LLC DBA Color Health
Classification: Uncertain significance for Malignant hyperthermia, susceptibility to, 1. Last evaluated: 2023-10-19. Review status: criteria provided, single submitter. Criteria: ACMG Guidelines, 2015. Collection method: clinical testing. Allele origin: germline.
Comment: This missense variant replaces valine with methionine at codon 2521 of the RYR1 protein. Computational prediction suggests that this variant may not impact protein structure and function. To our knowledge, functional studies have not been reported for this variant. This variant has not been reported in individuals affected with RYR1-related disorders in the literature. This variant has been identified in 7/250238 chromosomes in the general population by the Genome Aggregation Database (gnomAD). The available evidence is insufficient to determine the role of this variant in disease conclusively. Therefore, this variant is classified as a Variant of Uncertain Significance.